The following is an entry in ClinVar:

NM_004963.4(GUCY2C):c.2671A>G (p.Ile891Val)

Gene: GUCY2C (guanylate cyclase 2C; minus strand). Cytogenetic location: 12p12.3.
Variant type: single nucleotide variant.
Coding change: c.2671A>G on transcript NM_004963.4 (MANE Select); coding-DNA position 2671, A replaced by G.
Protein change: p.Ile891Val; replaces isoleucine 891 with valine.
Molecular consequence: missense variant.
Genome position (GRCh38, 1-based): chr12:14,621,147, T>C on the plus strand (A>G on the coding strand, the complement: GUCY2C is on the minus strand). VCF-style: chr12-14621147-T-C. GRCh37 (hg19) VCF-style: chr12-14774081-T-C.
Other names: short protein forms I891V.
Identifiers: ClinVar variation 1974415 (VCV001974415.5), dbSNP rs1946887953, ClinGen allele CA383994529.
Genomic context (GRCh38, chr12:14,621,147, plus strand): 5'-GCTCCAGCTCAAAGGTCCCCATGAAGCTGAGGATTTCCAAGGCCATCTTGGCAATGTCTA[T>C]TGCATGCCGATTGCCATTTCTCTTAGGCAAACCACTAGCCACCATGTACGCATCACCGAT-3'
Protein context (NP_004954.2, residues 881-901): LPKRNGNRHA[Ile891Val]DIAKMALEIL

ClinVar aggregate classification (germline): Uncertain significance (1 of 4 stars; one submission).

Allele frequency attached by ClinVar (database versions not stated): gnomAD exomes below 0.00001; TOPMed below 0.00001.
gnomAD v4.1: 1 of 1,613,670 alleles (0.000062%); highest among the groups gnomAD compares: Non-Finnish European, 0.000085%; no homozygotes.

Submission:

Labcorp Genetics (formerly Invitae), Labcorp
Classification: Uncertain significance. Last evaluated: 2024-06-28. Review status: criteria provided, single submitter. Criteria: Invitae Variant Classification Sherloc (09022015). Collection method: clinical testing. Allele origin: germline.
Comment: This sequence change replaces isoleucine, which is neutral and non-polar, with valine, which is neutral and non-polar, at codon 891 of the GUCY2C protein (p.Ile891Val). This variant is not present in population databases (gnomAD no frequency). This variant has not been reported in the literature in individuals affected with GUCY2C-related conditions. ClinVar contains an entry for this variant (Variation ID: 1974415). Advanced modeling of protein sequence and biophysical properties (such as structural, functional, and spatial information, amino acid conservation, physicochemical variation, residue mobility, and thermodynamic stability) performed at Invitae indicates that this missense variant is not expected to disrupt GUCY2C protein function with a negative predictive value of 80%. In summary, the available evidence is currently insufficient to determine the role of this variant in disease. Therefore, it has been classified as a Variant of Uncertain Significance.